The following is an entry in ClinVar:

NM_016343.4(CENPF):c.7060C>G (p.His2354Asp)

Gene: CENPF (centromere protein F; plus strand). Cytogenetic location: 1q41.
Variant type: single nucleotide variant.
Coding change: c.7060C>G on transcript NM_016343.4 (MANE Select); coding-DNA position 7060, C replaced by G.
Protein change: p.His2354Asp; replaces histidine 2354 with aspartic acid.
Molecular consequence: missense variant.
Genome position (GRCh38, 1-based): chr1:214,646,630, C>G. VCF-style: chr1-214646630-C-G. GRCh37 (hg19) VCF-style: chr1-214819973-C-G.
Other names: short protein forms H2354D.
Identifiers: ClinVar variation 1337742 (VCV001337742.4), dbSNP rs2102567951, ClinGen allele CA344849451.

ClinVar aggregate classification (germline): Uncertain significance (1 of 4 stars; one submission).

Submission:

Genetic Services Laboratory, University of Chicago
Classification: Uncertain significance. Last evaluated: 2020-10-12. Review status: criteria provided, single submitter. Criteria: ACMG Guidelines, 2015. Collection method: clinical testing. Allele origin: germline. Affected: no.
Comment: DNA sequence analysis of the CENPF gene demonstrated a sequence change, c.7060C>G, in exon 13 that results in an amino acid change, p.His2354Asp. This sequence change does not appear to have been previously described in individuals with CENPF-related disorders and has also not been described in population databases (gnomAD, ExAC). The p.His2354Asp change affects a moderately conserved amino acid residue located in a domain of the CENPF protein that is known to be functional. The p.His2354Asp substitution appears to be benign using several in-silico pathogenicity prediction tools (SIFT, PolyPhen2, Align GVGD, REVEL). Due to these contrasting evidences and the lack of functional studies, the clinical significance of the p.His2354Asp change remains unknown at this time.